The following is an entry in ClinVar:

ClinVar aggregate classification (germline): Pathogenic/Likely pathogenic. Review status: criteria provided, multiple submitters, no conflicts (2 of 4 stars). 4 submissions from 4 submitters: Pathogenic (1); Likely pathogenic (2). 1 of the submissions does not count toward it. Last evaluated 2024-11-26.

Conditions:
PYGL-related disorder. Also called: PYGL-related condition.
Glycogen storage disease, type VI (GSD6). Also called: PHOSPHORYLASE DEFICIENCY GLYCOGEN-STORAGE DISEASE OF LIVER; Glycogen storage disease type 6, due to phosphorylation; GSD VI; Glycogen storage disease type 6; Hepatic glycogen phosphorylase deficiency; HERS DISEASE. Identifiers: Orphanet 369, MedGen C0017925, MONDO:0009294, OMIM 232700.

Allele frequency attached by ClinVar (database versions not stated): gnomAD 0.00002 and 0.00003; ExAC 0.00003; gnomAD exomes 0.00002 and 0.00004; TOPMed 0.00003; 1000 Genomes Project 0.00020; 1000 Genomes Project 30x 0.00016.
gnomAD v4.1: 39 of 1,614,130 alleles (0.0024%); highest among the groups gnomAD compares: South Asian, 0.0099%; 1 homozygote.

Submissions (4):

Women's Health and Genetics/Laboratory Corporation of America, LabCorp
Classification: Likely pathogenic for Glycogen storage disease, type VI. Last evaluated: 2024-11-26. Review status: criteria provided, single submitter. Criteria: LabCorp Variant Classification Summary - May 2015. Collection method: clinical testing. Allele origin: germline.
Comment: Variant summary: PYGL c.1366G>A (p.Val456Met) results in a conservative amino acid change in the encoded protein sequence. Four of five in-silico tools predict a damaging effect of the variant on protein function. The variant allele was found at a frequency of 3.6e-05 in 251482 control chromosomes in the gnomAD database, including 1 homozygote. c.1366G>A has been reported in the literature in the compound heterozygous state in multiple individuals affected with clinical features of Glycogen storage disease, type VI (example, Beauchamp_2007, Davit-Spraul_2011, Hoogeveen_2016, Lu_2020), and was found to segregate with disease in 2 siblings. These data indicate that the variant is likely to be associated with disease. At least one publication reports a significant deficiency of PYGL function in compound heterozygous patient cells, however the impact of the p.Val456Met variant alone could not be determined (example, Beauchamp_2007). The following publications have been ascertained in the context of this evaluation (PMID: 17705025, 21646031, 26526422, 32892177). ClinVar contains an entry for this variant (Variation ID: 21328). Based on the evidence outlined above, the variant was classified as likely pathogenic.

Labcorp Genetics (formerly Invitae), Labcorp
Classification: Pathogenic for Glycogen storage disease, type VI. Last evaluated: 2022-05-22. Review status: criteria provided, single submitter. Criteria: Invitae Variant Classification Sherloc (09022015). Collection method: clinical testing. Allele origin: germline.
Comment: For these reasons, this variant has been classified as Pathogenic. Advanced modeling of protein sequence and biophysical properties (such as structural, functional, and spatial information, amino acid conservation, physicochemical variation, residue mobility, and thermodynamic stability) performed at Invitae indicates that this missense variant is expected to disrupt PYGL protein function. ClinVar contains an entry for this variant (Variation ID: 21328). This missense change has been observed in individual(s) with glycogen storage disease type VI (PMID: 17705025, 21646031, 32892177). It has also been observed to segregate with disease in related individuals. This variant is present in population databases (rs113993979, gnomAD 0.01%). This sequence change replaces valine, which is neutral and non-polar, with methionine, which is neutral and non-polar, at codon 456 of the PYGL protein (p.Val456Met).

Blueprint Genetics
Classification: Likely pathogenic for PYGL-related disorders. Last evaluated: 2019-10-25. Review status: criteria provided, single submitter. Criteria: ACMG Guidelines, 2015. Collection method: clinical testing. Allele origin: germline. Affected: yes. Observed: 1 variant allele.

GeneReviews
No classification provided. Condition: Glycogen storage disease, type VI. Review status: no classification provided. Collection method: literature only. Allele origin: unknown. Not counted in ClinVar's aggregate classification.

Literature cited by the submitters: PubMed 21646031 (cited by Women's Health and Genetics/Laboratory Corporation of America, LabCorp and Labcorp Genetics (formerly Invitae), Labcorp); PubMed 26526422 (cited by Women's Health and Genetics/Laboratory Corporation of America, LabCorp); PubMed 17705025 (cited by 3 submitters); PubMed 32892177 (cited by Women's Health and Genetics/Laboratory Corporation of America, LabCorp and Labcorp Genetics (formerly Invitae), Labcorp); PubMed 20301760 (cited by GeneReviews); NCBI Bookshelf NBK5941 (cited by GeneReviews).

NM_002863.5(PYGL):c.1366G>A (p.Val456Met)

Gene: PYGL (glycogen phosphorylase L; minus strand). Cytogenetic location: 14q22.1.
Variant type: single nucleotide variant.
Coding change: c.1366G>A on transcript NM_002863.5 (MANE Select); coding-DNA position 1366, G replaced by A.
Protein change: p.Val456Met; replaces valine 456 with methionine.
Molecular consequence: missense variant.
Genome position (GRCh38, 1-based): chr14:50,915,373, C>T on the plus strand (G>A on the coding strand, the complement: PYGL is on the minus strand). VCF-style: chr14-50915373-C-T. GRCh37 (hg19) VCF-style: chr14-51382091-C-T.
Other names: c.1264G>A, p.Val422Met (NM_001163940.2); short protein forms V456M, V422M.
Identifiers: ClinVar variation 21328 (VCV000021328.12), dbSNP rs113993979, ClinGen allele CA341906.